The following is an entry in ClinVar:

ClinVar aggregate classification (germline): Uncertain significance (1 of 4 stars; one submission).

gnomAD v4.1: 1 of 1,613,968 alleles (0.000062%); highest among the groups gnomAD compares: Non-Finnish European, 0.000085%; no homozygotes.

Submission:

Labcorp Genetics (formerly Invitae), Labcorp
Classification: Uncertain significance. Last evaluated: 2025-03-27. Review status: criteria provided, single submitter. Criteria: Invitae Variant Classification Sherloc (09022015). Collection method: clinical testing. Allele origin: germline.
Comment: This sequence change replaces tyrosine, which is neutral and polar, with cysteine, which is neutral and slightly polar, at codon 670 of the DCHS1 protein (p.Tyr670Cys). This variant is not present in population databases (gnomAD no frequency). This variant has not been reported in the literature in individuals affected with DCHS1-related conditions. Invitae Evidence Modeling of protein sequence and biophysical properties (such as structural, functional, and spatial information, amino acid conservation, physicochemical variation, residue mobility, and thermodynamic stability) has been performed for this missense variant. However, the output from this modeling did not meet the statistical confidence thresholds required to predict the impact of this variant on DCHS1 protein function. In summary, the available evidence is currently insufficient to determine the role of this variant in disease. Therefore, it has been classified as a Variant of Uncertain Significance.

NM_003737.4(DCHS1):c.2009A>G (p.Tyr670Cys)

Gene: DCHS1 (dachsous cadherin-related 1; minus strand). Cytogenetic location: 11p15.4.
Variant type: single nucleotide variant.
Coding change: c.2009A>G on transcript NM_003737.4 (MANE Select); coding-DNA position 2009, A replaced by G.
Protein change: p.Tyr670Cys; replaces tyrosine 670 with cysteine.
Molecular consequence: missense variant.
Genome position (GRCh38, 1-based): chr11:6,633,998, T>C on the plus strand (A>G on the coding strand, the complement: DCHS1 is on the minus strand). VCF-style: chr11-6633998-T-C. GRCh37 (hg19) VCF-style: chr11-6655229-T-C.
Other names: short protein forms Y670C.
Identifiers: ClinVar variation 4769917 (VCV004769917.1).
Genomic context (GRCh38, chr11:6,633,998, plus strand): 5'-TACTCCCGTGGATAAAACTGAGGAGGGTTGTCATTCTCGTCTGACAGAAACACCTTCACA[T>C]ATACCATGGACTTGAGGCCTCCCTGGTGGGACATGCAGCCATAGGTCAGGTGGGCCTCAT-3'
Protein context (NP_003728.1, residues 660-680): VDGGGLKSMV[Tyr670Cys]VKVFLSDEND